The following is an entry in ClinVar:

NM_006245.4(PPP2R5D):c.1700T>C (p.Val567Ala)

Genes: MEA1 (male-enhanced antigen 1; minus strand), PPP2R5D (protein phosphatase 2 regulatory subunit B'delta; plus strand). Cytogenetic location: 6p21.1.
Variant type: single nucleotide variant.
Coding change: c.1700T>C on transcript NM_006245.4 (MANE Select); coding-DNA position 1700, T replaced by C.
Protein change: p.Val567Ala; replaces valine 567 with alanine.
Molecular consequence: missense variant. On other transcripts: 3 prime UTR variant (1).
Genome position (GRCh38, 1-based): chr6:43,011,177, T>C. VCF-style: chr6-43011177-T-C. GRCh37 (hg19) VCF-style: chr6-42978915-T-C.
Other names: c.*1293A>G (NM_014623.4); c.1247T>C, p.Val416Ala (NM_001270476.2); c.1604T>C, p.Val535Ala (NM_180976.3); c.1382T>C, p.Val461Ala (NM_180977.3); short protein forms V461A, V567A, V535A, V416A.
Identifiers: ClinVar variation 1379536 (VCV001379536.6), dbSNP rs761054959, ClinGen allele CA3812150.

ClinVar aggregate classification (germline): Uncertain significance (1 of 4 stars; one submission).

Allele frequency attached by ClinVar (database versions not stated): ExAC 0.00001; gnomAD exomes below 0.00001; TOPMed 0.00002; gnomAD 0.00001.
gnomAD v4.1: 3 of 1,613,962 alleles (0.00019%); highest among the groups gnomAD compares: African/African-American, 0.004%; no homozygotes.

Submission:

Labcorp Genetics (formerly Invitae), Labcorp
Classification: Uncertain significance. Last evaluated: 2025-10-02. Review status: criteria provided, single submitter. Criteria: Invitae Variant Classification Sherloc (09022015). Collection method: clinical testing. Allele origin: germline.
Comment: This sequence change replaces valine, which is neutral and non-polar, with alanine, which is neutral and non-polar, at codon 567 of the PPP2R5D protein (p.Val567Ala). This variant is present in population databases (rs761054959, gnomAD 0.007%). This variant has not been reported in the literature in individuals affected with PPP2R5D-related conditions. ClinVar contains an entry for this variant (Variation ID: 1379536). An algorithm developed to predict the effect of missense changes on protein structure and function (PolyPhen-2) suggests that this variant is likely to be tolerated. In summary, the available evidence is currently insufficient to determine the role of this variant in disease. Therefore, it has been classified as a Variant of Uncertain Significance.